The following is an entry in ClinVar:

NM_198428.3(BBS9):c.2009C>T (p.Ala670Val)

Gene: BBS9 (Bardet-Biedl syndrome 9; plus strand). Cytogenetic location: 7p14.3.
Variant type: single nucleotide variant.
Coding change: c.2009C>T on transcript NM_198428.3 (MANE Select); coding-DNA position 2009, C replaced by T.
Protein change: p.Ala670Val; replaces alanine 670 with valine.
Molecular consequence: missense variant. On other transcripts: non-coding transcript variant (3).
Genome position (GRCh38, 1-based): chr7:33,388,038, C>T. VCF-style: chr7-33388038-C-T. GRCh37 (hg19) VCF-style: chr7-33427650-C-T.
Other names: c.1904C>T, p.Ala635Val (NM_001033604.2); c.1994C>T, p.Ala665Val (NM_001033605.2); c.2009C>T, p.Ala670Val (NM_001348036.1, NM_001348041.4, NM_001348043.3 and 3 more transcripts); c.1643C>T, p.Ala548Val (NM_001348037.3, NM_001348045.3, NM_001348046.3); c.1736C>T, p.Ala579Val (NM_001348038.3); c.1631C>T, p.Ala544Val (NM_001348039.3); c.1889C>T, p.Ala630Val (NM_001348040.3, NM_014451.4); c.1874C>T, p.Ala625Val (NM_001348042.3); and 1 more; short protein forms A544V, A630V, A635V, A665V, A548V, A513V, A579V, A670V.
Identifiers: ClinVar variation 2001973 (VCV002001973.4), dbSNP rs2536369166, ClinGen allele CA367253779.
Genomic context (GRCh38, chr7:33,388,038, plus strand): 5'-ATTATTCATTGCAGCTACGGATAAATGGTGAAAAATTAGAAGAACTCTTATCTGAGAGAG[C>T]TGTACAATTTCGGGCCATTCAACGCCGGCTACTAGCAAGATTCAAAGATAAAACTCCTGC-3'
Protein context (NP_940820.1, residues 660-680): EKLEELLSER[Ala670Val]VQFRAIQRRL

ClinVar aggregate classification (germline): Uncertain significance (1 of 4 stars; one submission).

Conditions:
Bardet-Biedl syndrome (BBS). Identifiers: Orphanet 110, MedGen C0752166, MONDO:0015229.

Submission:

Labcorp Genetics (formerly Invitae), Labcorp
Classification: Uncertain significance for Bardet-Biedl syndrome. Last evaluated: 2022-06-02. Review status: criteria provided, single submitter. Criteria: Invitae Variant Classification Sherloc (09022015). Collection method: clinical testing. Allele origin: germline.
Comment: This variant is not present in population databases (gnomAD no frequency). This sequence change replaces alanine, which is neutral and non-polar, with valine, which is neutral and non-polar, at codon 670 of the BBS9 protein (p.Ala670Val). This variant has not been reported in the literature in individuals affected with BBS9-related conditions. In summary, the available evidence is currently insufficient to determine the role of this variant in disease. Therefore, it has been classified as a Variant of Uncertain Significance. Algorithms developed to predict the effect of missense changes on protein structure and function are either unavailable or do not agree on the potential impact of this missense change (SIFT: "Deleterious"; PolyPhen-2: "Probably Damaging"; Align-GVGD: "Class C0").